The following is an entry in ClinVar:

ClinVar aggregate classification (germline): Uncertain significance (1 of 4 stars; one submission).

Allele frequency attached by ClinVar (database versions not stated): TOPMed below 0.00001; gnomAD 0.00001.

Submission:

GeneDx
Classification: Uncertain significance. Last evaluated: 2023-04-29. Review status: criteria provided, single submitter. Criteria: GeneDx Variant Classification Process June 2021. Collection method: clinical testing. Allele origin: germline. Affected: yes.
Comment: Not observed at significant frequency in large population cohorts (gnomAD); In silico analysis supports that this missense variant has a deleterious effect on protein structure/function; Has not been previously published as pathogenic or benign to our knowledge

NM_001270.4(CHD1):c.4402C>A (p.Pro1468Thr)

Gene: CHD1 (chromodomain helicase DNA binding protein 1; minus strand). Cytogenetic location: 5q15.
Variant type: single nucleotide variant.
Coding change: c.4402C>A on transcript NM_001270.4 (MANE Select); coding-DNA position 4402, C replaced by A.
Protein change: p.Pro1468Thr; replaces proline 1468 with threonine.
Molecular consequence: missense variant. On other transcripts: non-coding transcript variant (1).
Genome position (GRCh38, 1-based): chr5:98,863,433, G>T on the plus strand (C>A on the coding strand, the complement: CHD1 is on the minus strand). VCF-style: chr5-98863433-G-T. GRCh37 (hg19) VCF-style: chr5-98199137-G-T.
Other names: c.4666C>A, p.Pro1556Thr (NM_001364113.3); c.4402C>A, p.Pro1468Thr (NM_001376194.2); short protein forms P1468T, P1556T.
Identifiers: ClinVar variation 2663427 (VCV002663427.1), dbSNP rs1748628983, ClinGen allele CA360519253.